The following is an entry in ClinVar:

NM_001845.6(COL4A1):c.1754G>A (p.Arg585His)

Gene: COL4A1 (collagen type IV alpha 1 chain; minus strand). Cytogenetic location: 13q34.
Variant type: single nucleotide variant.
Coding change: c.1754G>A on transcript NM_001845.6 (MANE Select); coding-DNA position 1754, G replaced by A.
Protein change: p.Arg585His; replaces arginine 585 with histidine.
Molecular consequence: missense variant.
Genome position (GRCh38, 1-based): chr13:110,186,528, C>T on the plus strand (G>A on the coding strand, the complement: COL4A1 is on the minus strand). VCF-style: chr13-110186528-C-T. GRCh37 (hg19) VCF-style: chr13-110838875-C-T.
Other names: c.1754G>A (NM_001845.4, NM_001845.5); short protein forms R585H.
Identifiers: ClinVar variation 1206038 (VCV001206038.32), dbSNP rs754034347, ClinGen allele CA7047833.

ClinVar aggregate classification (germline): Conflicting classifications of pathogenicity. Review status: criteria provided, conflicting classifications (1 of 4 stars). 8 submissions from 8 submitters: Uncertain significance (4); Likely benign (2). 2 of the submissions do not count toward it. Last evaluated 2024-06-12.

Conditions:
Hemorrhage, intracerebral, susceptibility to (ICH). Also called: Stroke, hemorrhagic, susceptibility to. Identifiers: MedGen C3281105, MONDO:0100533, OMIM 614519.
Autosomal dominant familial hematuria-retinal arteriolar tortuosity-contractures syndrome. Also called: Angiopathy, hereditary, with nephropathy, aneurysms, and muscle cramps; Hereditary Angiopathy with Nephropathy, Aneurysms, and Muscle Cramps (HANAC) Syndrome. Identifiers: Orphanet 73229, MedGen C2673195, MONDO:0012726, OMIM 611773.
Retinal arterial tortuosity. Also called: RETINAL HEMORRHAGE WITH VASCULAR TORTUOSITY; Retinal arteries, tortuosity of. Identifiers: Orphanet 75326, MedGen C0423401, MONDO:0008373, OMIM 180000, HP:0000631.
Brain small vessel disease 1 with or without ocular anomalies (BSVD1). Also called: PORENCEPHALY, TYPE 1, AUTOSOMAL DOMINANT; GOULD SYNDROME 1; BRAIN SMALL VESSEL DISEASE WITH HEMORRHAGE; Brain small vessel disease with or without ocular anomalies. Identifiers: Orphanet 2940, Orphanet 36383, Orphanet 99810, MedGen C4755307, MONDO:0008289, OMIM 175780.
Microangiopathy and leukoencephalopathy, pontine, autosomal dominant. Also called: Pontine autosomal dominant microangiopathy with leukoencephalopathy; DEMENTIA, HEREDITARY MULTI-INFARCT, SWEDISH TYPE. Identifiers: Orphanet 477749, MedGen C5231411, MONDO:0032814, OMIM 618564.
Inborn genetic diseases. Identifiers: MedGen C0950123, MeSH D030342.
COL4A1-related disorder. Also called: COL4A1-related condition; COL4A1-related disorders. Identifiers: MedGen CN376119, MONDO:0800461.

Allele frequency attached by ClinVar (database versions not stated): TOPMed 0.00002; gnomAD exomes 0.00003 and 0.00006; gnomAD 0.00004 and 0.00005; ExAC 0.00006.

Submissions (8):

Labcorp Genetics (formerly Invitae), Labcorp
Classification: Likely benign. Last evaluated: 2024-06-12. Review status: criteria provided, single submitter. Criteria: Invitae Variant Classification Sherloc (09022015). Collection method: clinical testing. Allele origin: germline.

Revvity Omics, Revvity
Classification: Uncertain significance. Last evaluated: 2024-04-17. Review status: criteria provided, single submitter. Criteria: ACMG Guidelines, 2015. Collection method: clinical testing. Allele origin: germline.

Ambry Genetics
Classification: Likely benign for Inborn genetic diseases. Last evaluated: 2024-03-25. Review status: criteria provided, single submitter. Criteria: Ambry Variant Classification Scheme 2023. Collection method: clinical testing. Allele origin: germline.

PreventionGenetics, part of Exact Sciences
Classification: Uncertain significance for COL4A1-related condition. Last evaluated: 2023-09-10. Review status: criteria provided, single submitter. Criteria: ACMG Guidelines, 2015. Collection method: clinical testing. Allele origin: germline.
Comment: The COL4A1 c.1754G>A variant is predicted to result in the amino acid substitution p.Arg585His. To our knowledge, this variant has not been reported in the literature. This variant is reported in 0.016% of alleles in individuals of South Asian descent in gnomAD, including a homozygous individual. Although we suspect that this variant may be benign, at this time, the clinical significance of this variant is uncertain due to the absence of conclusive functional and genetic evidence.

CeGaT Center for Human Genetics Tuebingen
Classification: Uncertain significance. Last evaluated: 2023-02-01. Review status: criteria provided, single submitter. Criteria: CeGaT Center For Human Genetics Tuebingen Variant Classification Criteria Version 2. Collection method: clinical testing. Allele origin: germline. Affected: yes. Observed: 1 variant allele.

Fulgent Genetics
Classification: Uncertain significance for Brain small vessel disease 1 with or without ocular anomalies; Retinal arterial tortuosity; Autosomal dominant familial hematuria-retinal arteriolar tortuosity-contractures syndrome; Hemorrhage, intracerebral, susceptibility to; Microangiopathy and leukoencephalopathy, pontine, autosomal dominant. Last evaluated: 2021-07-21. Review status: criteria provided, single submitter. Criteria: ACMG Guidelines, 2015. Collection method: clinical testing. Allele origin: unknown.

Clinical Genetics DNA and cytogenetics Diagnostics Lab, Erasmus MC, Erasmus Medical Center
Classification: Uncertain significance. Review status: no assertion criteria provided. Collection method: clinical testing. Allele origin: germline. Affected: yes. Study: VKGL Data-share Consensus. Not counted in ClinVar's aggregate classification.

Laboratory of Diagnostic Genome Analysis, Leiden University Medical Center (LUMC)
Classification: Uncertain significance. Review status: no assertion criteria provided. Collection method: clinical testing. Allele origin: germline. Affected: yes. Study: VKGL Data-share Consensus. Not counted in ClinVar's aggregate classification.